The following is an entry in ClinVar:

ClinVar aggregate classification (germline): Uncertain significance (1 of 4 stars; one submission).

Allele frequency attached by ClinVar (database versions not stated): gnomAD exomes below 0.00001; gnomAD 0.00001.
gnomAD v4.1: 3 of 1,611,704 alleles (0.00019%); highest among the groups gnomAD compares: African/African-American, 0.0027%; no homozygotes.

Submission:

Labcorp Genetics (formerly Invitae), Labcorp
Classification: Uncertain significance. Last evaluated: 2022-08-16. Review status: criteria provided, single submitter. Criteria: Invitae Variant Classification Sherloc (09022015). Collection method: clinical testing. Allele origin: germline.
Comment: This variant is not present in population databases (gnomAD no frequency). In summary, the available evidence is currently insufficient to determine the role of this variant in disease. Therefore, it has been classified as a Variant of Uncertain Significance. Algorithms developed to predict the effect of sequence changes on RNA splicing suggest that this variant may create or strengthen a splice site. Algorithms developed to predict the effect of missense changes on protein structure and function are either unavailable or do not agree on the potential impact of this missense change (SIFT: "Deleterious"; PolyPhen-2: "Benign"; Align-GVGD: "Class C0"). ClinVar contains an entry for this variant (Variation ID: 1401511). This variant has not been reported in the literature in individuals affected with C2CD3-related conditions. This sequence change replaces leucine, which is neutral and non-polar, with valine, which is neutral and non-polar, at codon 1702 of the C2CD3 protein (p.Leu1702Val).

NM_001286577.2(C2CD3):c.5104C>G (p.Leu1702Val)

Gene: C2CD3 (C2 domain containing 3 centriole elongation regulator; minus strand). Cytogenetic location: 11q13.4.
Variant type: single nucleotide variant.
Coding change: c.5104C>G on transcript NM_001286577.2 (MANE Select); coding-DNA position 5104, C replaced by G.
Protein change: p.Leu1702Val; replaces leucine 1702 with valine.
Molecular consequence: missense variant.
Genome position (GRCh38, 1-based): chr11:74,054,658, G>C on the plus strand (C>G on the coding strand, the complement: C2CD3 is on the minus strand). VCF-style: chr11-74054658-G-C. GRCh37 (hg19) VCF-style: chr11-73765703-G-C.
Other names: c.5104C>G, p.Leu1702Val (NM_015531.6); short protein forms L1702V.
Identifiers: ClinVar variation 1401511 (VCV001401511.9), dbSNP rs1408523651, ClinGen allele CA381829233.